The following is an entry in ClinVar:

ClinVar aggregate classification (germline): Pathogenic. Review status: criteria provided, multiple submitters, no conflicts (2 of 4 stars). 4 submissions from 4 submitters: Pathogenic (3). 1 of the submissions does not count toward it. Last evaluated 2025-10-28.

Conditions:
Autosomal dominant PTPN11-related disorders.
Noonan syndrome 1 (NS1). Also called: FEMALE PSEUDO-TURNER SYNDROME; PTPN11-Related Noonan Syndrome; TURNER PHENOTYPE WITH NORMAL KARYOTYPE. Identifiers: Orphanet 648, MedGen C4551602, MONDO:0008104, OMIM 163950. Disease mechanism: gain of function.
Juvenile myelomonocytic leukemia (JMML). Also called: LEUKEMIA, JUVENILE MYELOMONOCYTIC, SOMATIC. Identifiers: Orphanet 86834, MedGen C0349639, MONDO:0011908, OMIM 607785, HP:0012209.

Submissions (4):

Variantyx, Inc.
Classification: Pathogenic for Autosomal dominant PTPN11-related disorders. Last evaluated: 2025-10-28. Review status: criteria provided, single submitter. Criteria: Variantyx Assertion Criteria 2022. Collection method: clinical testing. Allele origin: germline. Inheritance: Autosomal dominant inheritance. Affected: yes.
Comment: This is a nonsynonymous variant in the PTPN11 gene (OMIM: 176876). Pathogenic variants in this gene have been associated with autosomal dominant PTPN11-related disorders. This variant lies within a known hotspot for pathogenic variants or a well-established critical functional domain of the PTPN11 protein (PM1). Alternate amino acid change(s) at this position (p.Glu76Gln) have been previously reported in similarly affected individuals, which suggests that this residue is biologically important (PMID: 32794475) (PM5). Multiple computational algorithms predict a deleterious effect for this variant (REVEL score: 0.97) (PP3). This variant is absent from control populations (PM2). Based on the current evidence, this variant is classified as pathogenic for autosomal dominant PTPN11-related disorders.

Genesolutions, Medical Genetics Institutes, Ho Chi Minh City, Vietnam
Classification: Pathogenic for Noonan syndrome 1. Last evaluated: 2025-09-24. Review status: criteria provided, single submitter. Criteria: ACMG Guidelines, 2015. Collection method: clinical testing. Allele origin: germline. Affected: yes.

GeneDx
Classification: Pathogenic. Last evaluated: 2016-09-27. Review status: criteria provided, single submitter. Criteria: GeneDx Variant Classification (06012015). Collection method: clinical testing. Allele origin: germline. Affected: yes.
Comment: The E76A variant has been reported previously as a somatic variation in patients diagnosed with Juvenile Myelomonocytic Leukemia (JMML) without Noonan syndrome (Shimada et al., 2004; Tartaglia et al., 2003). Missense variants in PTPN11 are found in approximately 34% of individuals with JMML without Noonan syndrome. The Glutamic acid 76 residue is an apparent hotspot, with multiple published missense variants (E76K/V/G) associated with JMML (Tartaglia et al., 2003). The E76A variant was not observed in approximately 6,500 individuals of European and African American ancestry in the NHLBI Exome Sequencing Project, indicating it is not a common benign variant in these populations. Functional studies show that E76A, like other cancer associated variants in PTPN11, confers a greater gain-of-function than variants that are exclusively associated with Noonan syndrome (Kratz et al., 2005; O'Reilly et al., 2000). It is further presumed that the E76A variant is a somatic variant as cancer-associated variants confer a greater gain-of-function than variants exclusively associated with RASopathies and as a consequence are associated with severe prenatal abnormalities and demise. In a paper discussing sequence analysis of the PTPN11 gene in fetuses with ultrasound findings, two fetuses were found to have variants that were predominantly (F71L) or exclusively (T507K) reported in the context of cancer (Lee et al., 2008). Both of these fetuses presented with hydrops fetalis and one of these cases resulted in fetal demise (Lee et al., 2009). The presence of E76A is consistent with the diagnosis of JMML.

OMIM
Classification: Pathogenic for LEUKEMIA, JUVENILE MYELOMONOCYTIC, SOMATIC. Last evaluated: 2003-06-01. Review status: no assertion criteria provided. Collection method: literature only. Allele origin: somatic. Not counted in ClinVar's aggregate classification.

Literature cited by the submitters: PubMed 32794475 (cited by Variantyx, Inc.); PubMed 12717436 (cited by OMIM).

NM_002834.5(PTPN11):c.227A>C (p.Glu76Ala)

Gene: PTPN11 (protein tyrosine phosphatase non-receptor type 11; plus strand). Cytogenetic location: 12q24.13.
Variant type: single nucleotide variant.
Coding change: c.227A>C on transcript NM_002834.5 (MANE Select); coding-DNA position 227, A replaced by C.
Protein change: p.Glu76Ala; replaces glutamic acid 76 with alanine.
Molecular consequence: missense variant.
Genome position (GRCh38, 1-based): chr12:112,450,407, A>C. VCF-style: chr12-112450407-A-C. GRCh37 (hg19) VCF-style: chr12-112888211-A-C.
Other names: p.E76A:GAG>GCG; c.227A>C, p.Glu76Ala (NM_001330437.2, NM_080601.3); c.224A>C, p.Glu75Ala (NM_001374625.1); short protein forms E76A, E75A.
Identifiers: ClinVar variation 13339 (VCV000013339.3), dbSNP rs121918465, ClinGen allele CA123047.
Genomic context (GRCh38, chr12:112,450,407, plus strand): 5'-TTCAGAACACTGGTGATTACTATGACCTGTATGGAGGGGAGAAATTTGCCACTTTGGCTG[A>C]GTTGGTCCAGTATTACATGGAACATCACGGGCAATTAAAAGAGAAGAATGGAGATGTCAT-3'
Protein context (NP_002825.3, residues 66-86): YGGEKFATLA[Glu76Ala]LVQYYMEHHG